The following is an entry in ClinVar:

ClinVar aggregate classification (germline): Likely benign (1 of 4 stars; one submission).

Conditions:
Retinitis pigmentosa (RP). Identifiers: Orphanet 791, MedGen C0035334, MeSH D012174, MONDO:0019200, OMIM 268000. Inheritance: Autosomal dominant, autosomal recessive and X linked inheritance.

Allele frequency attached by ClinVar (database versions not stated): gnomAD 0.00710 and 0.00750; TOPMed 0.00715; 1000 Genomes Project 0.00799; 1000 Genomes Project 30x 0.00874.
gnomAD v4.1: 1,291 of 435,592 alleles (0.3%); highest among the groups gnomAD compares: African/African-American, 2.4%; 20 homozygotes.

Submission:

Illumina Laboratory Services, Illumina
Classification: Likely benign for Retinitis pigmentosa. Last evaluated: 2017-04-27. Review status: criteria provided, single submitter. Criteria: ICSL Variant Classification Criteria 13 December 2019. Collection method: clinical testing. Allele origin: germline.
Comment: This variant was observed as part of a predisposition screen in an ostensibly healthy population. A literature search was performed for the gene, cDNA change, and amino acid change (where applicable). No publications were found based on this search. Allele frequency data from public databases allowed determination this variant is unlikely to cause disease. Therefore, this variant is classified as likely benign.

NM_004744.5(LRAT):c.-199G>T

Gene: LRAT (lecithin retinol acyltransferase; plus strand). Cytogenetic location: 4q32.1.
Variant type: single nucleotide variant.
Coding change: c.-199G>T on transcript NM_004744.5 (MANE Select); 199 bases upstream of the start codon, G replaced by T.
Molecular consequence: 5 prime UTR variant. On other transcripts: intron variant (1).
Genome position (GRCh38, 1-based): chr4:154,744,025, G>T. VCF-style: chr4-154744025-G-T. GRCh37 (hg19) VCF-style: chr4-155665177-G-T.
Other names: c.-1-301G>T (NM_001301645.2).
Identifiers: ClinVar variation 902343 (VCV000902343.4), dbSNP rs77224348, ClinGen allele CA108930153.